The following is an entry in ClinVar:

ClinVar aggregate classification (germline): Uncertain significance (1 of 4 stars; one submission).

Conditions:
Inborn genetic diseases. Identifiers: MedGen C0950123, MeSH D030342.

Submission:

Ambry Genetics
Classification: Uncertain significance for Inborn genetic diseases. Last evaluated: 2025-10-03. Review status: criteria provided, single submitter. Criteria: Ambry Variant Classification Scheme 2023. Collection method: clinical testing. Allele origin: germline.
Comment: The c.2612A>G (p.Y871C) alteration is located in exon 18 (coding exon 17) of the SMARCA2 gene. This alteration results from an A to G substitution at nucleotide position 2612, causing the tyrosine (Y) at amino acid position 871 to be replaced by a cysteine (C). This variant was not reported in population-based cohorts in the Genome Aggregation Database (gnomAD). This amino acid position is highly conserved in available vertebrate species. This alteration is predicted to be deleterious by in silico analysis. Based on insufficient or conflicting evidence, the clinical significance of this alteration remains unclear.

NM_003070.5(SMARCA2):c.2612A>G (p.Tyr871Cys)

Gene: SMARCA2 (SWI/SNF related BAF chromatin remodeling complex subunit ATPase 2; plus strand). Cytogenetic location: 9p24.3.
Variant type: single nucleotide variant.
Coding change: c.2612A>G on transcript NM_003070.5 (MANE Select); coding-DNA position 2612, A replaced by G.
Protein change: p.Tyr871Cys; replaces tyrosine 871 with cysteine.
Molecular consequence: missense variant. On other transcripts: intron variant (1).
Genome position (GRCh38, 1-based): chr9:2,086,914, A>G. VCF-style: chr9-2086914-A-G. GRCh37 (hg19) VCF-style: chr9-2086914-A-G.
Other names: c.2612A>G, p.Tyr871Cys (NM_001289396.2, NM_139045.4); c.2595+17A>G (NM_001289397.2); short protein forms Y871C.
Identifiers: ClinVar variation 4170121 (VCV004170121.2).
Genomic context (GRCh38, chr9:2,086,914, plus strand): 5'-ACGAAGGCCACCGAATGAAGAATCACCACTGCAAGCTGACTCAGGTCTTGAACACTCACT[A>G]TGTGGCCCCCAGAAGGATCCTCTTGACTGGGACCCCGCTGCAGAATAAGCTCCCTGAACT-3'
Protein context (NP_003061.3, residues 861-881): CKLTQVLNTH[Tyr871Cys]VAPRRILLTG